The following is an entry in ClinVar:

NM_005886.3(KATNB1):c.40C>T (p.Gln14Ter)

Gene: KATNB1 (katanin regulatory subunit B1; plus strand). Cytogenetic location: 16q21.
Variant type: single nucleotide variant.
Coding change: c.40C>T on transcript NM_005886.3 (MANE Select); coding-DNA position 40, C replaced by T.
Protein change: p.Gln14Ter; replaces glutamine 14 with a stop codon.
Molecular consequence: nonsense.
Genome position (GRCh38, 1-based): chr16:57,737,283, C>T. VCF-style: chr16-57737283-C-T. GRCh37 (hg19) VCF-style: chr16-57771195-C-T.
Other names: short protein forms Q14*.
Identifiers: ClinVar variation 5005610 (VCV005005610.2).
Genomic context (GRCh38, chr16:57,737,283, plus strand): 5'-CAGGTGCCAGCCAGCTGAAGGATGGCCACCCCTGTGGTCACCAAGACAGCCTGGAAGTTG[C>T]GTGAGTGGTTTTCATTTTTCTTTATCACCCCATTTATTCTGTTAGCGGCTTGTTGCTGGG-3'

ClinVar aggregate classification (germline): Likely pathogenic (1 of 4 stars; one submission).

Conditions:
Lissencephaly 6 with microcephaly. Identifiers: Orphanet 1083, MedGen C4015525, MONDO:0014534, OMIM 616212.

gnomAD v4.1: 3 of 1,614,156 alleles (0.00019%); highest among the groups gnomAD compares: Non-Finnish European, 0.00017%; no homozygotes.

Submission:

Juno Genomics, Hangzhou Juno Genomics, Inc
Classification: Likely pathogenic for Lissencephaly 6 with microcephaly. Review status: criteria provided, single submitter. Criteria: ACMG Guidelines, 2015. Collection method: clinical testing. Allele origin: germline.
Comment: Null variant in a gene where loss of function (LOF) is a known mechanism of disease.;Absent from controls (or at extremely low frequency if recessive) in Genome Aggregation Database.